The following is an entry in ClinVar:

ClinVar aggregate classification (germline): Uncertain significance (1 of 4 stars; one submission).

Conditions:
Long QT syndrome (LQTS). Identifiers: MedGen C0023976, MeSH D008133, MONDO:0002442. Disease mechanism: loss of function. Inheritance: Various modes of inheritance.

Submissions (2):

Labcorp Genetics (formerly Invitae), Labcorp
Classification: Uncertain significance for Long QT syndrome. Last evaluated: 2021-08-21. Review status: criteria provided, single submitter. Criteria: Invitae Variant Classification Sherloc (09022015). Collection method: clinical testing. Allele origin: germline.
Comment: This sequence change falls in intron 6 of the KCNH2 gene. It does not directly change the encoded amino acid sequence of the KCNH2 protein. This variant is not present in population databases (ExAC no frequency). This variant has not been reported in the literature in individuals affected with KCNH2-related conditions. Algorithms developed to predict the effect of sequence changes on RNA splicing suggest that this variant may create or strengthen a splice site. In summary, the available evidence is currently insufficient to determine the role of this variant in disease. Therefore, it has been classified as a Variant of Uncertain Significance.

Dr. Peter K. Rogan Lab, Western University
No classification provided (evidence only). Condition: Ovarian serous cystadenocarcinoma. Review status: no classification provided. Collection method: in vitro. Allele origin: not applicable. Functional consequence: retained intron. Not counted in ClinVar's aggregate classification.

NM_000238.4(KCNH2):c.1557+11C>T

Gene: KCNH2 (potassium voltage-gated channel subfamily H member 2; minus strand). Cytogenetic location: 7q36.1.
Variant type: single nucleotide variant.
Coding change: c.1557+11C>T on transcript NM_000238.4 (MANE Select); 11 bases into the intron after coding-DNA position 1557, C replaced by T.
Molecular consequence: intron variant.
Genome position (GRCh38, 1-based): chr7:150,952,414, G>A on the plus strand (C>T on the coding strand, the complement: KCNH2 is on the minus strand). VCF-style: chr7-150952414-G-A. GRCh37 (hg19) VCF-style: chr7-150649502-G-A.
Other names: c.1269+11C>T (NM_001406753.1, NM_001406756.1); c.537+11C>T (NM_172057.3, NM_001204798.2); c.1557+11C>T (NM_172056.3); c.1380+11C>T (NM_001406755.1); c.1257+11C>T (NM_001406757.1).
Identifiers: ClinVar variation 1475004 (VCV001475004.8), dbSNP rs2116968709, ClinGen allele CA2573141872.